The following is an entry in ClinVar:

NM_024675.4(PALB2):c.170G>T (p.Cys57Phe)

Gene: PALB2 (partner and localizer of BRCA2; minus strand). Cytogenetic location: 16p12.2.
Variant type: single nucleotide variant.
Coding change: c.170G>T on transcript NM_024675.4 (MANE Select); coding-DNA position 170, G replaced by T.
Protein change: p.Cys57Phe; replaces cysteine 57 with phenylalanine.
Molecular consequence: missense variant.
Genome position (GRCh38, 1-based): chr16:23,637,891, C>A on the plus strand (G>T on the coding strand, the complement: PALB2 is on the minus strand). VCF-style: chr16-23637891-C-A. GRCh37 (hg19) VCF-style: chr16-23649212-C-A.
Other names: short protein forms C57F.
Identifiers: ClinVar variation 232856 (VCV000232856.7), dbSNP rs876660029, ClinGen allele CA10580049.

ClinVar aggregate classification (germline): Uncertain significance. Review status: criteria provided, multiple submitters, no conflicts (2 of 4 stars). 3 submissions from 3 submitters: Uncertain significance (3). Last evaluated 2025-09-18.

Conditions:
Hereditary cancer-predisposing syndrome. Also called: Neoplastic Syndromes, Hereditary; Tumor predisposition; Hereditary Cancer Syndrome; Hereditary neoplastic syndrome. Identifiers: Orphanet 140162, MedGen C0027672, MeSH D009386, MONDO:0015356.
Familial cancer of breast. Also called: BREAST CANCER, FAMILIAL; hereditary breast carcinoma; Hereditary breast cancer. Identifiers: Orphanet 227535, MedGen C0346153, MONDO:0016419, OMIM 114480. Disease mechanism: loss of function.

Allele frequency attached by ClinVar (database versions not stated): gnomAD 0.00001.
gnomAD v4.1: 5 of 1,613,956 alleles (0.00031%); highest among the groups gnomAD compares: Non-Finnish European, 0.00042%; no homozygotes.

Submissions (3):

Women's Health and Genetics/Laboratory Corporation of America, LabCorp
Classification: Uncertain significance. Last evaluated: 2025-09-18. Review status: criteria provided, single submitter. Criteria: LabCorp Variant Classification Summary - May 2015. Collection method: clinical testing. Allele origin: germline.

Labcorp Genetics (formerly Invitae), Labcorp
Classification: Uncertain significance for Familial cancer of breast. Last evaluated: 2025-08-09. Review status: criteria provided, single submitter. Criteria: Invitae Variant Classification Sherloc (09022015). Collection method: clinical testing. Allele origin: germline.
Comment: This sequence change replaces cysteine, which is neutral and slightly polar, with phenylalanine, which is neutral and non-polar, at codon 57 of the PALB2 protein (p.Cys57Phe). This variant is not present in population databases (gnomAD no frequency). This variant has not been reported in the literature in individuals affected with PALB2-related conditions. ClinVar contains an entry for this variant (Variation ID: 232856). An algorithm developed to predict the effect of missense changes on protein structure and function (PolyPhen-2) suggests that this variant is likely to be tolerated. In summary, the available evidence is currently insufficient to determine the role of this variant in disease. Therefore, it has been classified as a Variant of Uncertain Significance.

Ambry Genetics
Classification: Uncertain significance for Hereditary cancer-predisposing syndrome. Last evaluated: 2021-04-02. Review status: criteria provided, single submitter. Criteria: Ambry Variant Classification Scheme 2023. Collection method: clinical testing. Allele origin: germline.
Comment: The p.C57F variant (also known as c.170G>T), located in coding exon 3 of the PALB2 gene, results from a G to T substitution at nucleotide position 170. The cysteine at codon 57 is replaced by phenylalanine, an amino acid with highly dissimilar properties. This amino acid position is poorly conserved in available vertebrate species. In addition, this alteration is predicted to be tolerated by in silico analysis. Since supporting evidence is limited at this time, the clinical significance of this alteration remains unclear.